The following is an entry in ClinVar:

ClinVar aggregate classification (germline): Uncertain significance. Review status: criteria provided, multiple submitters, no conflicts (2 of 4 stars). 4 submissions from 4 submitters: Uncertain significance (4). Last evaluated 2025-10-06.

Conditions:
Inborn genetic diseases. Identifiers: MedGen C0950123, MeSH D030342.

Allele frequency attached by ClinVar (database versions not stated): gnomAD exomes 0.00003; gnomAD 0.00003; ExAC 0.00004; ESP Exome Variant Server 0.00008; TOPMed 0.00002.
gnomAD v4.1: 39 of 1,611,658 alleles (0.0024%); highest among the groups gnomAD compares: East Asian, 0.011%; no homozygotes.

Submissions (4):

GeneDx
Classification: Uncertain significance. Last evaluated: 2025-10-06. Review status: criteria provided, single submitter. Criteria: GeneDx Variant Classification Process June 2021. Collection method: clinical testing. Allele origin: germline.
Comment: In silico analysis supports that this missense variant has a deleterious effect on protein structure/function; Has not been previously published as pathogenic or benign to our knowledge

Ambry Genetics
Classification: Uncertain significance for Inborn genetic diseases. Last evaluated: 2023-03-24. Review status: criteria provided, single submitter. Criteria: Ambry Variant Classification Scheme 2023. Collection method: clinical testing. Allele origin: germline.

Blueprint Genetics
Classification: Uncertain significance. Last evaluated: 2022-09-21. Review status: criteria provided, single submitter. Criteria: ACMG Guidelines, 2015. Collection method: clinical testing. Allele origin: germline.

Labcorp Genetics (formerly Invitae), Labcorp
Classification: Uncertain significance. Last evaluated: 2022-06-03. Review status: criteria provided, single submitter. Criteria: Invitae Variant Classification Sherloc (09022015). Collection method: clinical testing. Allele origin: germline.
Comment: This sequence change replaces arginine, which is basic and polar, with cysteine, which is neutral and slightly polar, at codon 3680 of the ADGRV1 protein (p.Arg3680Cys). This variant is present in population databases (rs367738566, gnomAD 0.02%). This variant has not been reported in the literature in individuals affected with ADGRV1-related conditions. ClinVar contains an entry for this variant (Variation ID: 949619). Algorithms developed to predict the effect of missense changes on protein structure and function are either unavailable or do not agree on the potential impact of this missense change (SIFT: "Deleterious"; PolyPhen-2: "Probably Damaging"; Align-GVGD: "Class C0"). In summary, the available evidence is currently insufficient to determine the role of this variant in disease. Therefore, it has been classified as a Variant of Uncertain Significance.

NM_032119.4(ADGRV1):c.11038C>T (p.Arg3680Cys)

Gene: ADGRV1 (adhesion G protein-coupled receptor V1; plus strand). Cytogenetic location: 5q14.3.
Variant type: single nucleotide variant.
Coding change: c.11038C>T on transcript NM_032119.4 (MANE Select); coding-DNA position 11038, C replaced by T.
Protein change: p.Arg3680Cys; replaces arginine 3680 with cysteine.
Molecular consequence: missense variant. On other transcripts: non-coding transcript variant (1).
Genome position (GRCh38, 1-based): chr5:90,750,614, C>T. VCF-style: chr5-90750614-C-T. GRCh37 (hg19) VCF-style: chr5-90046431-C-T.
Other names: short protein forms R3680C.
Identifiers: ClinVar variation 949619 (VCV000949619.9), dbSNP rs367738566, ClinGen allele CA3340883.